The following is an entry in ClinVar:

NM_012479.4(YWHAG):c.-15C>G

Gene: YWHAG (tyrosine 3-monooxygenase/tryptophan 5-monooxygenase activation protein gamma; minus strand). Cytogenetic location: 7q11.23.
Variant type: single nucleotide variant.
Coding change: c.-15C>G on transcript NM_012479.4 (MANE Select); 15 bases upstream of the start codon, C replaced by G.
Molecular consequence: 5 prime UTR variant.
Genome position (GRCh38, 1-based): chr7:76,358,823, G>C on the plus strand (C>G on the coding strand, the complement: YWHAG is on the minus strand). VCF-style: chr7-76358823-G-C. GRCh37 (hg19) VCF-style: chr7-75988140-G-C.
Identifiers: ClinVar variation 4847287 (VCV004847287.1).
Genomic context (GRCh38, chr7:76,358,823, plus strand): 5'-GCTCGGCCAGCCGGGCTTTCTGCACCAGTTGCTCGCGGTCCACCATCTTCGCGGGGCTGG[G>C]TCTGGCCGGAGAAGGAGGAGGACACTGGGGCGGCCTGAAGGGCTTGGAGGGCGCGACTGG-3'

ClinVar aggregate classification (germline): Uncertain significance (1 of 4 stars; one submission).

gnomAD v4.1: 12 of 1,586,186 alleles (0.00076%); highest among the groups gnomAD compares: Admixed American, 0.0053%; no homozygotes.

Submission:

Women's Health and Genetics/Laboratory Corporation of America, LabCorp
Classification: Uncertain significance. Last evaluated: 2026-03-12. Review status: criteria provided, single submitter. Criteria: LabCorp Variant Classification Summary - May 2015. Collection method: clinical testing. Allele origin: germline.
Comment: Variant summary: YWHAG c.-15C>G is located in the untranslated mRNA region upstream of the initiation codon. The variant allele was found at a frequency of 1.3e-05 in 225956 control chromosomes. The available data on variant occurrences in the general population are insufficient to allow any conclusion about variant significance. To our knowledge, no occurrence of c.-15C>G in individuals affected with YWHAG-related conditions and no experimental evidence demonstrating its impact on protein function have been reported. No submitters have cited clinical-significance assessments for this variant to ClinVar. Based on the evidence outlined above, the variant was classified as uncertain significance.